The following is an entry in ClinVar:

NM_003482.4(KMT2D):c.11064_11065del (p.Ala3689fs)

Gene: KMT2D (lysine methyltransferase 2D; minus strand). Cytogenetic location: 12q13.12.
Variant type: Deletion.
Coding change: c.11064_11065del on transcript NM_003482.4 (MANE Select); coding-DNA positions 11064 to 11065, 2 bases deleted (GG; older notation c.11064_11065delGG).
Protein change: p.Ala3689fs; shifts the reading frame from alanine 3689.
Molecular consequence: frameshift variant.
Genome position (GRCh38, 1-based): chr12:49,033,640-49,033,641, CC deleted on the plus strand (GG on the coding strand, the reverse complement: KMT2D is on the minus strand); deleting any 2 consecutive bases within chr12:49,033,640-49,033,643 gives the same sequence; the c. name uses the placement nearest the transcript's 3' end. VCF-style (leftmost placement, unchanged base first): chr12-49033639-GCC-G. GRCh37 (hg19) VCF-style: chr12-49427422-GCC-G.
Other names: short protein forms A3689fs.
Identifiers: ClinVar variation 4294503 (VCV004294503.1).

ClinVar aggregate classification (germline): Pathogenic (1 of 4 stars; one submission).

Conditions:
Choanal atresia-athelia-hypothyroidism-delayed puberty-short stature syndrome (BCAHH). Also called: BRANCHIAL ARCH ABNORMALITIES, CHOANAL ATRESIA, ATHELIA, HEARING LOSS, AND HYPOTHYROIDISM SYNDROME. Identifiers: Orphanet 589856, MedGen C5680310, MONDO:0035651, OMIM 620186.
Kabuki syndrome 1 (KABUK1). Also called: KMT2D-Related Kabuki Syndrome. Identifiers: Orphanet 2322, MedGen CN030661, MONDO:0007843, OMIM 147920.

Submission:

Molecular Genetics Department, Kulakov National Medical Research Center for Obstetrics, Gynecology and Perinatology
Classification: Pathogenic for Kabuki syndrome 1; Choanal atresia-athelia-hypothyroidism-delayed puberty-short stature syndrome. Review status: criteria provided, single submitter. Criteria: ACMG Guidelines, 2015. Collection method: clinical testing. Allele origin: de novo. Affected: yes. Observed: 1 variant allele.
Comment: A previously undescribed heterozygous nucleotide variant creates a frameshift p.Ala3689TrpfsTer23 in the KMT2D gene. Heterozygous variants are reported in patients with branchial arch abnormalities, choanal atresia, athelia, hearing loss, and hypothyroidism syndrome, 620186; Kabuki syndrome 1, 147920. The variant is not present in population database (gnomAD no frequency). Sanger sequencing revealed that the variant arose de novo (parentage confirmed). In summary, this variant has been classified as pathogenic.